The following is an entry in ClinVar:

NM_001395159.1(UNC79):c.447C>T (p.His149=)

Gene: UNC79 (unc-79 subunit of NALCN channel complex; plus strand). Cytogenetic location: 14q32.12.
Variant type: single nucleotide variant.
Coding change: c.447C>T on transcript NM_001395159.1 (MANE Select); coding-DNA position 447, C replaced by T.
Protein change: p.His149=; no amino-acid change (histidine 149 retained).
Molecular consequence: synonymous variant. On other transcripts: 5 prime UTR variant (1).
Genome position (GRCh38, 1-based): chr14:93,474,392, C>T. VCF-style: chr14-93474392-C-T. GRCh37 (hg19) VCF-style: chr14-93940738-C-T.
Other names: c.447C>T, p.His149= (NM_001346218.2); c.-85C>T (NM_020818.5).
Identifiers: ClinVar variation 4820903 (VCV004820903.4).

ClinVar aggregate classification (germline): Likely benign (1 of 4 stars; one submission).

gnomAD v4.1: 115 of 1,533,782 alleles (0.0075%); highest among the groups gnomAD compares: South Asian, 0.11%; no homozygotes.

Submission:

CeGaT Center for Human Genetics Tuebingen
Classification: Likely benign. Last evaluated: 2025-12-01. Review status: criteria provided, single submitter. Criteria: CeGaT Center For Human Genetics Tuebingen Variant Classification Criteria Version 2. Collection method: clinical testing. Allele origin: germline. Affected: yes. Observed: 1 variant allele.
Comment: UNC79: BP4, BP7